The following is an entry in ClinVar:

NM_002582.4(PARN):c.176A>G (p.Lys59Arg)

Gene: PARN (poly(A)-specific ribonuclease; minus strand). Cytogenetic location: 16p13.12.
Variant type: single nucleotide variant.
Coding change: c.176A>G on transcript NM_002582.4 (MANE Select); coding-DNA position 176, A replaced by G.
Protein change: p.Lys59Arg; replaces lysine 59 with arginine.
Molecular consequence: missense variant. On other transcripts: 5 prime UTR variant (1), intron variant (1).
Genome position (GRCh38, 1-based): chr16:14,628,173, T>C on the plus strand (A>G on the coding strand, the complement: PARN is on the minus strand). VCF-style: chr16-14628173-T-C. GRCh37 (hg19) VCF-style: chr16-14722030-T-C.
Other names: c.176A>G, p.Lys59Arg (LRG_1286t1); c.-8A>G (NM_001134477.3); c.158+18A>G (NM_001242992.2); short protein forms K59R.
Identifiers: ClinVar variation 424063 (VCV000424063.2), dbSNP rs778324179, ClinGen allele CA7912518.

ClinVar aggregate classification (germline): Likely pathogenic (1 of 4 stars; one submission).

Allele frequency attached by ClinVar (database versions not stated): gnomAD exomes below 0.00001; ExAC 0.00001.
gnomAD v4.1: 5 of 1,568,874 alleles (0.00032%); highest among the groups gnomAD compares: South Asian, 0.0011%; no homozygotes.

Submission:

GeneDx
Classification: Likely pathogenic. Last evaluated: 2017-03-07. Review status: criteria provided, single submitter. Criteria: GeneDx Variant Classification (06012015). Collection method: clinical testing. Allele origin: germline. Affected: yes.
Comment: The K59R variant in the PARN gene has not been reported previously as a pathogenic variant, nor as a benignvariant, to our knowledge. This variant is not observed at a significant frequency in large population cohorts (Lek etal., 2016; 1000 Genomes Consortium et al., 2015; Exome Variant Server). The K59R variant is a conservative aminoacid substitution, which is not likely to impact secondary protein structure as these residues share similar properties;however, this substitution occurs at a position that is conserved across species. In silico analysis is inconsistent in itspredictions as to whether or not the variant is damaging to the protein structure/function. The K59R variant is astrong candidate for a pathogenic variant, however the possibility it may be a rare benign variant cannot be excluded.